The following is an entry in ClinVar:

ClinVar aggregate classification (germline): Benign (3 of 4 stars; one submission).

Conditions:
Breast-ovarian cancer, familial, susceptibility to, 2 (BROVCA2). Also called: BRCA2 Hereditary Breast and Ovarian Cancer. Identifiers: Orphanet 145, MedGen C2675520, MONDO:0012933, OMIM 612555. Disease mechanism: loss of function.

Allele frequency attached by ClinVar (database versions not stated): gnomAD 0.00909 and 0.00986; TOPMed 0.01029; 1000 Genomes Project 0.01038; 1000 Genomes Project 30x 0.01062.
gnomAD v4.1: 1,371 of 152,264 alleles (0.9%); highest among the groups gnomAD compares: African/African-American, 3.1%; 22 homozygotes.

Submission:

Evidence-based Network for the Interpretation of Germline Mutant Alleles (ENIGMA)
Classification: Benign for Breast-ovarian cancer, familial 2. Last evaluated: 2015-01-12. Review status: reviewed by expert panel. Criteria: ENIGMA BRCA1/2 Classification Criteria (2015). Collection method: curation. Allele origin: germline.
Comment: Class 1 not pathogenic based on frequency >1% in an outbred sampleset. Frequency 0.03252 (African), derived from 1000 genomes (2012-04-30).

NM_000059.4(BRCA2):c.7617+549G>A

Gene: BRCA2 (BRCA2 DNA repair associated; plus strand). Cytogenetic location: 13q13.1.
Variant type: single nucleotide variant.
Coding change: c.7617+549G>A on transcript NM_000059.4 (MANE Select); 549 bases into the intron after coding-DNA position 7617, G replaced by A.
Molecular consequence: intron variant.
Genome position (GRCh38, 1-based): chr13:32,357,158, G>A. VCF-style: chr13-32357158-G-A. GRCh37 (hg19) VCF-style: chr13-32931295-G-A.
Other names: IVS 15+549G>A.
Identifiers: ClinVar variation 209758 (VCV000209758.1), dbSNP rs11571710, ClinGen allele CA276726.